The following is an entry in ClinVar:

ClinVar aggregate classification (germline): Pathogenic (1 of 4 stars; one submission).

Conditions:
Duchenne muscular dystrophy (DMD). Also called: MUSCULAR DYSTROPHY, PSEUDOHYPERTROPHIC PROGRESSIVE, DUCHENNE TYPE; Duchenne Muscular Dystrophy (DMD). Identifiers: Orphanet 98896, MedGen C0013264, MONDO:0010679, OMIM 310200.

Submission:

Labcorp Genetics (formerly Invitae), Labcorp
Classification: Pathogenic for Duchenne muscular dystrophy. Last evaluated: 2022-11-06. Review status: criteria provided, single submitter. Criteria: Invitae Variant Classification Sherloc (09022015). Collection method: clinical testing. Allele origin: germline.
Comment: For these reasons, this variant has been classified as Pathogenic. This variant has not been reported in the literature in individuals affected with DMD-related conditions. This variant is not present in population databases (gnomAD no frequency). This sequence change creates a premature translational stop signal (p.Thr687Argfs*2) in the DMD gene. It is expected to result in an absent or disrupted protein product. Loss-of-function variants in DMD are known to be pathogenic (PMID: 16770791, 25007885).

Literature cited by the submitters: PubMed 16770791; PubMed 25007885.

NM_004006.3(DMD):c.2060del (p.Thr687fs)

Gene: DMD (dystrophin; minus strand). Cytogenetic location: Xp21.1.
Variant type: Deletion.
Coding change: c.2060del on transcript NM_004006.3 (MANE Select); coding-DNA position 2060, one base deleted (C; older notation c.2060delC).
Protein change: p.Thr687fs; shifts the reading frame from threonine 687.
Molecular consequence: frameshift variant.
Genome position (GRCh38, 1-based): chrX:32,545,267, G deleted on the plus strand (C on the coding strand, the reverse complement: DMD is on the minus strand). VCF-style (leftmost placement, unchanged base first): chrX-32545266-CG-C. GRCh37 (hg19) VCF-style: chrX-32563383-CG-C.
Other names: c.2036del, p.Thr679fs (NM_000109.4); c.2048del, p.Thr683fs (NM_004009.3); c.1691del, p.Thr564fs (NM_004010.3); short protein forms T687fs, T683fs, T564fs, T679fs.
Identifiers: ClinVar variation 2015453 (VCV002015453.4), dbSNP rs2481306701, ClinGen allele CA2580100693.
Genomic context (GRCh38, chrX:32,545,266, plus strand): 5'-AGGTGGTGGTGGAAGTTCCTCTTGAGCATGCTTTACCAGGATCTGTTCCCTTGTGGTCAC[CG>C]TAGTTACTGTTTCCATTACAGTTGTCTGTGTTAGTGATGGCTGAGTGGTGGTGACAGCCT-3'